The following is an entry in ClinVar:

ClinVar aggregate classification (germline): Uncertain significance. Review status: criteria provided, multiple submitters, no conflicts (2 of 4 stars). 2 submissions from 2 submitters: Uncertain significance (2). Last evaluated 2023-12-14.

Conditions:
Inborn genetic diseases. Identifiers: MedGen C0950123, MeSH D030342.

Allele frequency attached by ClinVar (database versions not stated): ESP Exome Variant Server 0.00032.

Submissions (2):

Ambry Genetics
Classification: Uncertain significance for Inborn genetic diseases. Last evaluated: 2023-12-14. Review status: criteria provided, single submitter. Criteria: Ambry Variant Classification Scheme 2023. Collection method: clinical testing. Allele origin: germline.

GeneDx
Classification: Uncertain significance. Last evaluated: 2019-06-12. Review status: criteria provided, single submitter. Criteria: GeneDx Variant Classification Process June 2021. Collection method: clinical testing. Allele origin: germline. Affected: yes.
Comment: In silico analysis, which includes protein predictors and evolutionary conservation, supports a deleterious effect; Has not been previously published as pathogenic or benign to our knowledge

NM_002768.5(CHMP1A):c.380C>G (p.Ser127Trp)

Gene: CHMP1A (charged multivesicular body protein 1A; minus strand). Cytogenetic location: 16q24.3.
Variant type: single nucleotide variant.
Coding change: c.380C>G on transcript NM_002768.5 (MANE Select); coding-DNA position 380, C replaced by G.
Protein change: p.Ser127Trp; replaces serine 127 with tryptophan.
Molecular consequence: missense variant. On other transcripts: non-coding transcript variant (1).
Genome position (GRCh38, 1-based): chr16:89,647,204, G>C on the plus strand (C>G on the coding strand, the complement: CHMP1A is on the minus strand). VCF-style: chr16-89647204-G-C. GRCh37 (hg19) VCF-style: chr16-89713612-G-C.
Other names: c.360C>G, p.Ile120Met (NM_001083314.4); c.360C>G (NM_001083314.1); short protein forms I120M, S127W.
Identifiers: ClinVar variation 1198141 (VCV001198141.3), dbSNP rs201945919, ClinGen allele CA8247053.